The following is an entry in ClinVar:

NM_007373.4(SHOC2):c.1423-7C>T

Gene: SHOC2 (SHOC2 leucine rich repeat scaffold protein; plus strand). Cytogenetic location: 10q25.2.
Variant type: single nucleotide variant.
Coding change: c.1423-7C>T on transcript NM_007373.4 (MANE Select); 7 bases into the intron before coding-DNA position 1423, C replaced by T.
Molecular consequence: intron variant.
Genome position (GRCh38, 1-based): chr10:111,009,706, C>T. VCF-style: chr10-111009706-C-T. GRCh37 (hg19) VCF-style: chr10-112769464-C-T.
Other names: p.?; c.1423-7C>T (NM_001324336.2, NM_001324337.2); c.1285-7C>T (NM_001269039.3).
Identifiers: ClinVar variation 139109 (VCV000139109.27), dbSNP rs180671383, ClinGen allele CA293485.

ClinVar aggregate classification (germline): Benign. Review status: reviewed by expert panel (3 of 4 stars). 11 submissions from 11 submitters: Benign (1). 10 of the submissions do not count toward it. Last evaluated 2017-04-18.

Conditions:
Noonan syndrome and Noonan-related syndrome. Identifiers: Orphanet 98733, MedGen C5681679, MONDO:0020297.
RASopathy. Also called: Noonan spectrum disorder; rasopathies. Identifiers: Orphanet 536391, MedGen C5555857, MONDO:0021060.
Noonan syndrome-like disorder with loose anagen hair 1 (NSLH1). Also called: MAZZANTI SYNDROME; TOSTI SYNDROME. Identifiers: Orphanet 2701, MedGen C4478716, MONDO:0054637, OMIM 607721.

Allele frequency attached by ClinVar (database versions not stated): gnomAD exomes 0.00120; ExAC 0.00193; ESP Exome Variant Server 0.00500; gnomAD 0.00521 and 0.00563; 1000 Genomes Project 0.00559; TOPMed 0.00577; 1000 Genomes Project 30x 0.00578.

Submissions (11):

ClinGen RASopathy Variant Curation Expert Panel
Classification: Benign for Noonan syndrome and Noonan-related syndrome. Last evaluated: 2017-04-18. Review status: reviewed by expert panel. Criteria: ClinGen RASopathy ACMG Specifications v1. Collection method: curation. Allele origin: germline. Inheritance: Autosomal dominant inheritance.
Comment: The filtering allele frequency of the c.1423-7C>T variant in the SHOC2 gene is 1.826% (183/8836) of African chromosomes by the Exome Aggregation Consortium, which is a high enough frequency to be classified as benign based on thresholds defined by the ClinGen RASopathy Expert Panel (BA1; PMID:29493581)

Labcorp Genetics (formerly Invitae), Labcorp
Classification: Benign for RASopathy. Last evaluated: 2026-02-02. Review status: criteria provided, single submitter. Criteria: Invitae Variant Classification Sherloc (09022015). Collection method: clinical testing. Allele origin: germline. Not counted in ClinVar's aggregate classification.

ARUP Laboratories, Molecular Genetics and Genomics, ARUP Laboratories
Classification: Benign for Noonan syndrome-like disorder with loose anagen hair 1. Last evaluated: 2023-11-22. Review status: criteria provided, single submitter. Criteria: ARUP Molecular Germline Variant Investigation Process 2024. Collection method: clinical testing. Allele origin: germline. Not counted in ClinVar's aggregate classification.

Fulgent Genetics
Classification: Likely benign for Noonan syndrome-like disorder with loose anagen hair 1. Last evaluated: 2021-09-02. Review status: criteria provided, single submitter. Criteria: ACMG Guidelines, 2015. Collection method: clinical testing. Allele origin: unknown. Not counted in ClinVar's aggregate classification.

Women's Health and Genetics/Laboratory Corporation of America, LabCorp
Classification: Benign. Last evaluated: 2019-12-24. Review status: criteria provided, single submitter. Criteria: LabCorp Variant Classification Summary - May 2015. Collection method: clinical testing. Allele origin: germline. Not counted in ClinVar's aggregate classification.
Comment: Variant summary: SHOC2 c.1423-7C>T alters a non-conserved nucleotide located close to a canonical splice site and therefore could affect mRNA splicing, leading to a significantly altered protein sequence. 4/4 computational tools predict no significant impact on normal splicing. However, these predictions have yet to be confirmed by functional studies. The variant allele was found at a frequency of 0.0012 in 249072 control chromosomes, predominantly at a frequency of 0.017 within the African or African-American subpopulation in the gnomAD database, including 2 homozygotes. The observed variant frequency within African or African-American control individuals in the gnomAD database is approximately 680 fold of the estimated maximal expected allele frequency for a pathogenic variant in SHOC2 causing Noonan Syndrome and Related Conditions phenotype (2.5e-05), strongly suggesting that the variant is a benign polymorphism found primarily in populations of African or African-American origin. To our knowledge, no occurrence of c.1423-7C>T in individuals affected with Noonan Syndrome and Related Conditions and no experimental evidence demonstrating its impact on protein function have been reported. Four clinical diagnostic laboratories have submitted clinical-significance assessments for this variant to ClinVar after 2014 without evidence for independent evaluation. All laboratories classified the variant as benign (n=3)/likely benign (n=1). Based on the evidence outlined above, the variant was classified as benign.

Genome Diagnostics Laboratory, The Hospital for Sick Children
Classification: Benign for Noonan syndrome and Noonan-related syndrome. Last evaluated: 2018-10-01. Review status: criteria provided, single submitter. Criteria: ACMG Guidelines, 2015. Collection method: clinical testing. Allele origin: germline. Not counted in ClinVar's aggregate classification.

Illumina Laboratory Services, Illumina
Classification: Benign for Noonan syndrome-like disorder with loose anagen hair 1. Last evaluated: 2018-01-12. Review status: criteria provided, single submitter. Criteria: ICSL Variant Classification Criteria 13 December 2019. Collection method: clinical testing. Allele origin: germline. Not counted in ClinVar's aggregate classification.
Comment: This variant was observed in the ICSL laboratory as part of a predisposition screen in an ostensibly healthy population. It had not been previously curated by ICSL or reported in the Human Gene Mutation Database (HGMD: prior to June 1st, 2018), and was therefore a candidate for classification through an automated scoring system. Utilizing variant allele frequency, disease prevalence and penetrance estimates, and inheritance mode, an automated score was calculated to assess if this variant is too frequent to cause the disease. Based on the score and internal cut-off values, a variant classified as benign is not then subjected to further curation. The score for this variant resulted in a classification of benign for this disease.

Eurofins Ntd Llc (ga)
Classification: Benign. Last evaluated: 2016-09-21. Review status: criteria provided, single submitter. Criteria: EGL Classification Definitions 2015. Collection method: clinical testing. Allele origin: germline. Observed: 1 variant allele, 1 heterozygote. Not counted in ClinVar's aggregate classification.

Mayo Clinic Laboratories, Mayo Clinic
Classification: Benign. Last evaluated: 2016-02-09. Review status: criteria provided, single submitter. Criteria: ACMG Guidelines, 2015. Collection method: clinical testing. Allele origin: germline. Observed: 6 variant alleles. Not counted in ClinVar's aggregate classification.

GeneDx
Classification: Benign. Last evaluated: 2012-02-23. Review status: criteria provided, single submitter. Criteria: GeneDx Variant Classification (06012015). Collection method: clinical testing. Allele origin: germline. Affected: yes. Not counted in ClinVar's aggregate classification.
Comment: This variant is considered likely benign or benign based on one or more of the following criteria: it is a conservative change, it occurs at a poorly conserved position in the protein, it is predicted to be benign by multiple in silico algorithms, and/or has population frequency not consistent with disease.

PreventionGenetics, part of Exact Sciences
Classification: Benign. Review status: criteria provided, single submitter. Criteria: ACMG Guidelines, 2015. Collection method: clinical testing. Allele origin: germline. Not counted in ClinVar's aggregate classification.